The following is an entry in ClinVar:

GRCh38/hg38 21p11.2-q22.3(chr21:7749532-46623792)x3

Genes: LRRC3 (leucine rich repeat containing 3; plus strand), LRRC3-DT (LRRC3 divergent transcript; minus strand), LSS (lanosterol synthase; minus strand), LTN1 (listerin E3 ubiquitin protein ligase 1; minus strand), MAP3K7CL (MAP3K7 C-terminal like; plus strand) and 1154 more. Cytogenetic location: 21p11.2-q22.3.
Variant type: copy number gain.
Change: copy number 3 (three copies instead of two) of chr21:7,749,532-46,623,792 (38.87 Mb, GRCh38 coordinates, 1-based), cytogenetic band 21p11.2-q22.3.
Identifiers: ClinVar variation 59224 (VCV000059224.2).

ClinVar aggregate classification (germline): Pathogenic (1 of 4 stars; one submission).

Submission:

ISCA Site 6
Classification: Pathogenic. Last evaluated: 2011-08-12. Review status: criteria provided, single submitter. Criteria: Kaminsky et al. (Genet Med. 2011). Collection method: clinical testing. Allele origin: unknown. Affected: yes. Observed: 1 variant allele.
Comment: Copy number variation identified through the course of routine clinical cytogenomic testing in postnatal populations. Clinical assertions have been curated as described in Kaminsky et al. 2011.